The following is an entry in ClinVar:

ClinVar aggregate classification (germline): Uncertain significance (1 of 4 stars; one submission).

Conditions:
TP63-Related Spectrum Disorders.

Submission:

Labcorp Genetics (formerly Invitae), Labcorp
Classification: Uncertain significance. Last evaluated: 2023-10-17. Review status: criteria provided, single submitter. Criteria: Invitae Variant Classification Sherloc (09022015). Collection method: clinical testing. Allele origin: germline.
Comment: This sequence change replaces cysteine, which is neutral and slightly polar, with tyrosine, which is neutral and polar, at codon 203 of the TP63 protein (p.Cys203Tyr). This variant is not present in population databases (gnomAD no frequency). This variant has not been reported in the literature in individuals affected with TP63-related conditions. Advanced modeling of protein sequence and biophysical properties (such as structural, functional, and spatial information, amino acid conservation, physicochemical variation, residue mobility, and thermodynamic stability) performed at Invitae indicates that this missense variant is expected to disrupt TP63 protein function. In summary, the available evidence is currently insufficient to determine the role of this variant in disease. Therefore, it has been classified as a Variant of Uncertain Significance.

NM_003722.5(TP63):c.608G>A (p.Cys203Tyr)

Gene: TP63 (tumor protein p63; plus strand). Cytogenetic location: 3q28.
Variant type: single nucleotide variant.
Coding change: c.608G>A on transcript NM_003722.5 (MANE Select); coding-DNA position 608, G replaced by A.
Protein change: p.Cys203Tyr; replaces cysteine 203 with tyrosine.
Molecular consequence: missense variant.
Genome position (GRCh38, 1-based): chr3:189,864,260, G>A. VCF-style: chr3-189864260-G-A. GRCh37 (hg19) VCF-style: chr3-189582049-G-A.
Other names: c.608G>A, p.Cys203Tyr (NM_001114978.2, NM_001114979.2, NM_001329144.2 and 1 more transcripts); c.326G>A, p.Cys109Tyr (NM_001114980.2, NM_001114981.2, NM_001114982.2 and 2 more transcripts); c.71G>A, p.Cys24Tyr (NM_001329146.2, NM_001329150.2); c.602G>A, p.Cys201Tyr (NM_001329964.2); short protein forms C109Y, C201Y, C203Y, C24Y.
Identifiers: ClinVar variation 2766076 (VCV002766076.2), dbSNP rs2474589971, ClinGen allele CA355753198.